The following is an entry in ClinVar:

NM_014679.5(CEP57):c.241C>G (p.Arg81Gly)

Gene: CEP57 (centrosomal protein 57; plus strand). Cytogenetic location: 11q21.
Variant type: single nucleotide variant.
Coding change: c.241C>G on transcript NM_014679.5 (MANE Select); coding-DNA position 241, C replaced by G.
Protein change: p.Arg81Gly; replaces arginine 81 with glycine.
Molecular consequence: missense variant.
Genome position (GRCh38, 1-based): chr11:95,812,970, C>G. VCF-style: chr11-95812970-C-G. GRCh37 (hg19) VCF-style: chr11-95546134-C-G.
Other names: c.214C>G, p.Arg72Gly (NM_001243776.2); c.241C>G, p.Arg81Gly (NM_001243777.2); c.160C>G, p.Arg54Gly (NM_001363604.2); short protein forms R72G, R54G, R81G.
Identifiers: ClinVar variation 3831982 (VCV003831982.1).

ClinVar aggregate classification (germline): Uncertain significance (1 of 4 stars; one submission).

Conditions:
Inborn genetic diseases. Identifiers: MedGen C0950123, MeSH D030342.

gnomAD v4.1: 7 of 1,613,816 alleles (0.00043%); highest among the groups gnomAD compares: Non-Finnish European, 0.00059%; no homozygotes.

Submission:

Ambry Genetics
Classification: Uncertain significance for Inborn genetic diseases. Last evaluated: 2025-02-02. Review status: criteria provided, single submitter. Criteria: Ambry Variant Classification Scheme 2023. Collection method: clinical testing. Allele origin: germline.
Comment: The p.R81G variant (also known as c.241C>G), located in coding exon 3 of the CEP57 gene, results from a C to G substitution at nucleotide position 241. The arginine at codon 81 is replaced by glycine, an amino acid with dissimilar properties. This amino acid position is conserved. In addition, this alteration is predicted to be deleterious by in silico analysis. Based on the available evidence, the clinical significance of this variant remains unclear.